The following is an entry in ClinVar:

ClinVar aggregate classification (germline): Uncertain significance (1 of 4 stars; one submission).

Conditions:
Cystic fibrosis (CF). Also called: MUCOVISCIDOSIS. Identifiers: Orphanet 586, MedGen C0010674, MONDO:0009061, OMIM 219700. Disease mechanism: loss of function.

Submission:

Ambry Genetics
Classification: Uncertain significance for Cystic fibrosis. Last evaluated: 2020-01-30. Review status: criteria provided, single submitter. Criteria: Ambry Variant Classification Scheme 2023. Collection method: clinical testing. Allele origin: germline.
Comment: The p.N901I variant (also known as c.2702A>T), located in coding exon 17 of the CFTR gene, results from an A to T substitution at nucleotide position 2702. The asparagine at codon 901 is replaced by isoleucine, an amino acid with dissimilar properties. This amino acid position is poorly conserved in available vertebrate species. In addition, the in silico prediction for this alteration is inconclusive. Since supporting evidence is limited at this time, the clinical significance of this alteration remains unclear.

NM_000492.4(CFTR):c.2702A>T (p.Asn901Ile)

Gene: CFTR (CF transmembrane conductance regulator; plus strand). Cytogenetic location: 7q31.2.
Variant type: single nucleotide variant.
Coding change: c.2702A>T on transcript NM_000492.4 (MANE Select); coding-DNA position 2702, A replaced by T.
Protein change: p.Asn901Ile; replaces asparagine 901 with isoleucine.
Molecular consequence: missense variant.
Genome position (GRCh38, 1-based): chr7:117,603,576, A>T. VCF-style: chr7-117603576-A-T. GRCh37 (hg19) VCF-style: chr7-117243630-A-T.
Other names: short protein forms N901I.
Identifiers: ClinVar variation 1794943 (VCV001794943.2), dbSNP rs1377924973, ClinGen allele CA368986467.